The following is an entry in ClinVar:

NM_020297.4(ABCC9):c.2475G>A (p.Ala825=)

Gene: ABCC9 (ATP binding cassette subfamily C member 9; minus strand). Cytogenetic location: 12p12.1.
Variant type: single nucleotide variant.
Coding change: c.2475G>A on transcript NM_020297.4 (MANE Select); coding-DNA position 2475, G replaced by A.
Protein change: p.Ala825=; no amino-acid change (alanine 825 retained).
Molecular consequence: synonymous variant.
Genome position (GRCh38, 1-based): chr12:21,859,616, C>T on the plus strand (G>A on the coding strand, the complement: ABCC9 is on the minus strand). VCF-style: chr12-21859616-C-T. GRCh37 (hg19) VCF-style: chr12-22012550-C-T.
Other names: p.A825A:GCG>GCA; c.2475G>A, p.Ala825= (NM_001377273.1, NM_005691.4); c.1608G>A, p.Ala536= (NM_001377274.1).
Identifiers: ClinVar variation 136249 (VCV000136249.13), dbSNP rs587780845, ClinGen allele CA289232.
Genomic context (GRCh38, chr12:21,859,616, plus strand): 5'-TAGAAATAAAAGGGAAGGCCATATTCTTACCAAAAAGACAATGTTGGTGTTTTGATACAG[C>T]GCTCGTGCCACACAGATTCTCTGCCTCTGTCCCCCACTCAGGTTGATGCCCTAGAGAAGA-3'
Protein context (NP_064693.2, residues 815-835): GQRQRICVAR[Ala825=]LYQNTNIVFL

ClinVar aggregate classification (germline): Benign/Likely benign. Review status: criteria provided, multiple submitters, no conflicts (2 of 4 stars). 4 submissions from 4 submitters: Benign (1); Likely benign (3). Last evaluated 2026-01-09.

Conditions:
Cardiovascular phenotype. Identifiers: MedGen CN230736.
Cardiomyopathy (CMYO). Also called: Cardiomyopathies. Identifiers: Orphanet 167848, MedGen C0878544, MONDO:0004994, HP:0001638. Inheritance: Various modes of inheritance.
Dilated cardiomyopathy 1O (CMD1O). Also called: CARDIOMYOPATHY, DILATED, WITH VENTRICULAR TACHYCARDIA. Identifiers: Orphanet 154, MedGen C1837839, MONDO:0012062, OMIM 608569.

Allele frequency attached by ClinVar (database versions not stated): TOPMed 0.00004.
gnomAD v4.1: 54 of 1,613,760 alleles (0.0033%); highest among the groups gnomAD compares: African/African-American, 0.015%; no homozygotes.

Submissions (4):

Labcorp Genetics (formerly Invitae), Labcorp
Classification: Likely benign for Dilated cardiomyopathy 1O. Last evaluated: 2026-01-09. Review status: criteria provided, single submitter. Criteria: Invitae Variant Classification Sherloc (09022015). Collection method: clinical testing. Allele origin: germline.

Ambry Genetics
Classification: Likely benign for Cardiovascular phenotype. Last evaluated: 2022-03-11. Review status: criteria provided, single submitter. Criteria: Ambry Variant Classification Scheme 2023. Collection method: clinical testing. Allele origin: germline.

CHEO Genetics Diagnostic Laboratory, Children's Hospital of Eastern Ontario
Classification: Likely benign for Cardiomyopathy. Last evaluated: 2020-09-11. Review status: criteria provided, single submitter. Criteria: ACMG Guidelines, 2015. Collection method: clinical testing. Allele origin: germline.

GeneDx
Classification: Benign. Last evaluated: 2014-04-28. Review status: criteria provided, single submitter. Criteria: GeneDx Variant Classification (06012015). Collection method: clinical testing. Allele origin: germline. Affected: yes.
Comment: This variant is considered likely benign or benign based on one or more of the following criteria: it is a conservative change, it occurs at a poorly conserved position in the protein, it is predicted to be benign by multiple in silico algorithms, and/or has population frequency not consistent with disease.